The following is an entry in ClinVar:

ClinVar aggregate classification (germline): Conflicting classifications of pathogenicity. Review status: criteria provided, conflicting classifications (1 of 4 stars). 9 submissions from 9 submitters: Uncertain significance (5); Likely benign (4). Last evaluated 2026-01-24.

Conditions:
Lynch syndrome 4 (LYNCH4). Also called: Colorectal cancer, hereditary nonpolyposis, type 4; Hereditary non-polyposis colorectal cancer, type 4. Identifiers: Orphanet 144, MedGen C1838333, MONDO:0013699, OMIM 614337. Disease mechanism: loss of function.
Mismatch repair cancer syndrome 4. Identifiers: MedGen C5436817, MONDO:0030843, OMIM 619101.
Hereditary nonpolyposis colorectal neoplasms. Identifiers: MedGen C0009405, MeSH D003123.
Hereditary cancer-predisposing syndrome. Also called: Hereditary Cancer Syndrome; Hereditary neoplastic syndrome; Neoplastic Syndromes, Hereditary; Tumor predisposition. Identifiers: Orphanet 140162, MedGen C0027672, MeSH D009386, MONDO:0015356.
Lynch syndrome. Identifiers: Orphanet 144, MedGen C4552100, MONDO:0005835. Disease mechanism: loss of function.

Allele frequency attached by ClinVar (database versions not stated): gnomAD 0.00001 and 0.00003; TOPMed 0.00001; gnomAD exomes 0.00007; ExAC 0.00009.
gnomAD v4.1: 56 of 1,606,212 alleles (0.0035%); highest among the groups gnomAD compares: South Asian, 0.055%; no homozygotes.

Submissions (9):

Labcorp Genetics (formerly Invitae), Labcorp
Classification: Likely benign for Hereditary nonpolyposis colorectal neoplasms. Last evaluated: 2026-01-24. Review status: criteria provided, single submitter. Criteria: Invitae Variant Classification Sherloc (09022015). Collection method: clinical testing. Allele origin: germline.

Women's Health and Genetics/Laboratory Corporation of America, LabCorp
Classification: Likely benign. Last evaluated: 2025-03-03. Review status: criteria provided, single submitter. Criteria: LabCorp Variant Classification Summary - May 2015. Collection method: clinical testing. Allele origin: germline.
Comment: Variant summary: PMS2 c.755G>A (p.Cys252Tyr) results in a non-conservative amino acid change located in the DNA mismatch repair protein, C-terminal domain (IPR013507) of the encoded protein sequence. Four of five in-silico tools predict a damaging effect of the variant on protein function. The variant allele was found at a frequency of 7.2e-05 in 250288 control chromosomes, predominantly at a frequency of 0.00053 within the South Asian subpopulation in the gnomAD database. The observed variant frequency within South Asian control individuals in the gnomAD database is approximately 7-fold of the estimated maximal expected allele frequency for a pathogenic variant in PMS2 causing Hereditary Nonpolyposis Colorectal Cancer phenotype (7.1e-05). c.755G>A has been reported in the literature in one individual affected with Breast Cancer, co-occurring with a pathogenic variant of PMS2 (Bhai_2021). These report(s) do not provide unequivocal conclusions about association of the variant with Hereditary Nonpolyposis Colorectal Cancer. Co-occurrences with other pathogenic variant(s) have been reported (PMS2 c.1908delA, p.Gln637fsX28), providing supporting evidence for a benign role. To our knowledge, no experimental evidence demonstrating an impact on protein function has been reported. The following publication has been ascertained in the context of this evaluation (PMID: 34326862). ClinVar contains an entry for this variant (Variation ID: 455741). Based on the evidence outlined above, the variant was classified as likely benign.

Color Diagnostics, LLC DBA Color Health
Classification: Likely benign for Hereditary cancer-predisposing syndrome. Last evaluated: 2024-12-11. Review status: criteria provided, single submitter. Criteria: ACMG Guidelines, 2015. Collection method: clinical testing. Allele origin: germline.

GeneDx
Classification: Uncertain significance. Last evaluated: 2024-09-05. Review status: criteria provided, single submitter. Criteria: GeneDx Variant Classification Process June 2021. Collection method: clinical testing. Allele origin: germline. Affected: yes.
Comment: In silico analysis, which includes protein predictors and evolutionary conservation, supports a deleterious effect; Has not been previously published as pathogenic or benign to our knowledge; This variant is associated with the following publications: (PMID: 11574484, 34326862)

Department of Pathology and Laboratory Medicine, Sinai Health System
Classification: Uncertain significance for Lynch syndrome 4; Mismatch repair cancer syndrome 4. Last evaluated: 2024-06-24. Review status: criteria provided, single submitter. Criteria: ACMG Guidelines, 2015. Collection method: clinical testing. Allele origin: germline.

All of Us Research Program, National Institutes of Health
Classification: Uncertain significance for Lynch syndrome. Last evaluated: 2024-04-16. Review status: criteria provided, single submitter. Criteria: ACMG Guidelines, 2015. Collection method: clinical testing. Allele origin: germline. Inheritance: Autosomal dominant inheritance. Observed: 3 variant alleles, 3 heterozygotes.
Comment: This missense variant replaces cysteine with tyrosine at codon 252 of the PMS2 protein. Computational prediction tool is inconclusive regarding the impact of this variant on protein structure and function (internally defined REVEL score threshold 0.5 < inconclusive < 0.7, PMID: 27666373). Splice site prediction tools suggest that this variant may not impact RNA splicing. To our knowledge, functional studies have not been performed for this variant. This variant has not been reported in individuals affected with hereditary cancer in the literature. This variant has been identified in 18/250288 chromosomes in the general population by the Genome Aggregation Database (gnomAD). The available evidence is insufficient to determine the role of this variant in disease conclusively. Therefore, this variant is classified as a Variant of Uncertain Significance.

This study involves interpretation of variants in research participants for the purpose of population health screening. Participant phenotype was not available at the time of variant classification. Additional details can be found in publication PMID: 35346344, PMCID: PMC8962531

Ambry Genetics
Classification: Likely benign for Hereditary cancer-predisposing syndrome. Last evaluated: 2022-06-28. Review status: criteria provided, single submitter. Criteria: Ambry Variant Classification Scheme 2023. Collection method: clinical testing. Allele origin: germline.

Genetic Services Laboratory, University of Chicago
Classification: Uncertain significance. Last evaluated: 2018-03-02. Review status: criteria provided, single submitter. Criteria: ACMG Guidelines, 2015. Collection method: clinical testing. Allele origin: germline. Affected: no.

Neuberg Centre For Genomic Medicine, NCGM
Classification: Uncertain significance for Lynch syndrome 4. Review status: criteria provided, single submitter. Criteria: ACMG Guidelines, 2015. Collection method: clinical testing. Allele origin: germline. Inheritance: Autosomal dominant inheritance. Affected: yes.
Comment: The missense variant in c.755G>A (p.Cys252Tyr) in PMS2 gene has been submitted to ClinVar as a Variant of Uncertain Significance, but no details are available for independent assessment. The p.Cys252Tyr variant is reported with the allele frequency of 0.007192% in gnomAD Exome and is novel (not in any individuals) in 1000 Genomes. The amino acid Cys at position 252 is changed to a Tyr changing protein sequence and it might alter its composition and physico-chemical properties. The amino acid change p.Cys252Tyr in PMS2 is predicted as conserved by GERP++ and PhyloP across 100 vertebrates. For these reasons, this variant has been classified as Uncertain Significance.

Literature cited by the submitters: PubMed 34326862 (cited by Women's Health and Genetics/Laboratory Corporation of America, LabCorp).

NM_000535.7(PMS2):c.755G>A (p.Cys252Tyr)

Gene: PMS2 (PMS1 homolog 2, mismatch repair system component; minus strand). Cytogenetic location: 7p22.1.
Variant type: single nucleotide variant.
Coding change: c.755G>A on transcript NM_000535.7 (MANE Select); coding-DNA position 755, G replaced by A.
Protein change: p.Cys252Tyr; replaces cysteine 252 with tyrosine.
Molecular consequence: missense variant. On other transcripts: 5 prime UTR variant (2), non-coding transcript variant (1).
Genome position (GRCh38, 1-based): chr7:5,997,374, C>T on the plus strand (G>A on the coding strand, the complement: PMS2 is on the minus strand). VCF-style: chr7-5997374-C-T. GRCh37 (hg19) VCF-style: chr7-6037005-C-T.
Other names: c.350G>A, p.Cys117Tyr (NM_001322003.2, NM_001322004.2, NM_001322005.2 and 2 more transcripts); c.755G>A, p.Cys252Tyr (NM_001322006.2, NM_001322014.2); c.437G>A, p.Cys146Tyr (NM_001322007.2, NM_001322008.2); c.-179G>A (NM_001322011.2, NM_001322012.2); c.182G>A, p.Cys61Tyr (NM_001322013.2); c.446G>A, p.Cys149Tyr (NM_001322015.2); short protein forms C252Y, C146Y, C61Y, C149Y, C117Y.
Identifiers: ClinVar variation 455741 (VCV000455741.33), dbSNP rs775445157, ClinGen allele CA051535.